The following is an entry in ClinVar:

ClinVar aggregate classification (germline): Uncertain significance. Review status: criteria provided, multiple submitters, no conflicts (2 of 4 stars). 2 submissions from 2 submitters: Uncertain significance (2). Last evaluated 2026-05-05.

Conditions:
Spastic paraplegia. Identifiers: MedGen C0037772, HP:0001258.
Hereditary spastic paraplegia. Also called: Familial spastic paraparesis. Identifiers: Orphanet 685, MedGen C0037773, MONDO:0019064. Disease mechanism: loss of function.

gnomAD v4.1: 18 of 1,613,906 alleles (0.0011%); highest among the groups gnomAD compares: Non-Finnish European, 0.0015%; no homozygotes.

Submissions (2):

Clinical Genetics Laboratory, Skane University Hospital Lund
Classification: Uncertain significance for Spastic paraplegia. Last evaluated: 2026-05-05. Review status: criteria provided, single submitter. Criteria: ACMG Guidelines, 2015. Collection method: clinical testing. Allele origin: germline. Affected: yes.
Comment: ACMG criteria used: PM2, PP3

Genome Diagnostics Laboratory, The Hospital for Sick Children
Classification: Uncertain significance for Hereditary spastic paraplegia. Last evaluated: 2016-12-12. Review status: criteria provided, single submitter. Criteria: ACMG Guidelines, 2015. Collection method: clinical testing. Allele origin: germline. Affected: yes.

NM_014846.4(WASHC5):c.1550A>T (p.Asn517Ile)

Gene: WASHC5 (WASH complex subunit 5; minus strand). Cytogenetic location: 8q24.13.
Variant type: single nucleotide variant.
Coding change: c.1550A>T on transcript NM_014846.4 (MANE Select); coding-DNA position 1550, A replaced by T.
Protein change: p.Asn517Ile; replaces asparagine 517 with isoleucine.
Molecular consequence: missense variant.
Genome position (GRCh38, 1-based): chr8:125,059,514, T>A on the plus strand (A>T on the coding strand, the complement: WASHC5 is on the minus strand). VCF-style: chr8-125059514-T-A. GRCh37 (hg19) VCF-style: chr8-126071756-T-A.
Other names: c.1106A>T, p.Asn369Ile (NM_001330609.2); short protein forms N369I, N517I.
Identifiers: ClinVar variation 1344362 (VCV001344362.4), dbSNP rs368546546, ClinGen allele CA4873784.